The following is an entry in ClinVar:

NM_133433.4(NIPBL):c.2297G>C (p.Arg766Thr)

Gene: NIPBL (NIPBL cohesin loading factor; plus strand). Cytogenetic location: 5p13.2.
Variant type: single nucleotide variant.
Coding change: c.2297G>C on transcript NM_133433.4 (MANE Select); coding-DNA position 2297, G replaced by C.
Protein change: p.Arg766Thr; replaces arginine 766 with threonine.
Molecular consequence: missense variant.
Genome position (GRCh38, 1-based): chr5:36,985,477, G>C. VCF-style: chr5-36985477-G-C. GRCh37 (hg19) VCF-style: chr5-36985579-G-C.
Other names: c.2297G>C, p.Arg766Thr (NM_015384.5); short protein forms R766T.
Identifiers: ClinVar variation 3251220 (VCV003251220.20), dbSNP rs2477929572.
Genomic context (GRCh38, chr5:36,985,477, plus strand): 5'-CTCCAAAGCAAAAAAATGAAGGGCGACCTGAAACACCAAAACACAGGCATGACAATAGGA[G>C]GGATTCTGGAAAGCCATCTACAGAGAAAAAACCTGAAGTGTCTAAACATAAACAAGATAC-3'
Protein context (NP_597677.2, residues 756-776): ETPKHRHDNR[Arg766Thr]DSGKPSTEKK

ClinVar aggregate classification (germline): Uncertain significance. Review status: criteria provided, multiple submitters, no conflicts (2 of 4 stars). 2 submissions from 2 submitters: Uncertain significance (2). Last evaluated 2025-02-05.

Submissions (2):

Dasa
Classification: Uncertain significance. Last evaluated: 2025-02-05. Review status: criteria provided, single submitter. Criteria: DASA Assertion Criteria. Collection method: clinical testing. Allele origin: germline.
Comment: NM_133433.4(NIPBL):c.2297G>C (p.Arg766Thr) is a missense variant that results in the substitution of arginine with threonine. This variant is absent from population databases. Computational prediction algorithms are consistent with a benign effect. The currently available literature and clinical evidence are not sufficient to establish a definitive association between this variant and the reported condition. Therefore, this variant is classified as a variant of uncertain significance.

CeGaT Center for Human Genetics Tuebingen
Classification: Uncertain significance. Last evaluated: 2024-06-01. Review status: criteria provided, single submitter. Criteria: CeGaT Center For Human Genetics Tuebingen Variant Classification Criteria Version 2. Collection method: clinical testing. Allele origin: germline. Affected: yes. Observed: 1 variant allele.
Comment: NIPBL: PM2